The following is an entry in ClinVar:

ClinVar aggregate classification (germline): Uncertain significance (1 of 4 stars; one submission).

Conditions:
Spastic paraplegia. Identifiers: MedGen C0037772, HP:0001258.

Submission:

Labcorp Genetics (formerly Invitae), Labcorp
Classification: Uncertain significance for Spastic paraplegia. Last evaluated: 2023-09-28. Review status: criteria provided, single submitter. Criteria: Invitae Variant Classification Sherloc (09022015). Collection method: clinical testing. Allele origin: germline.
Comment: This sequence change replaces glutamic acid, which is acidic and polar, with glutamine, which is neutral and polar, at codon 530 of the KIF5A protein (p.Glu530Gln). This variant is not present in population databases (gnomAD no frequency). This variant has not been reported in the literature in individuals affected with KIF5A-related conditions. Advanced modeling of protein sequence and biophysical properties (such as structural, functional, and spatial information, amino acid conservation, physicochemical variation, residue mobility, and thermodynamic stability) performed at Invitae indicates that this missense variant is not expected to disrupt KIF5A protein function. Algorithms developed to predict the effect of sequence changes on RNA splicing suggest that this variant may create or strengthen a splice site. In summary, the available evidence is currently insufficient to determine the role of this variant in disease. Therefore, it has been classified as a Variant of Uncertain Significance.

NM_004984.4(KIF5A):c.1588G>C (p.Glu530Gln)

Gene: KIF5A (kinesin family member 5A; plus strand). Cytogenetic location: 12q13.3.
Variant type: single nucleotide variant.
Coding change: c.1588G>C on transcript NM_004984.4 (MANE Select); coding-DNA position 1588, G replaced by C.
Protein change: p.Glu530Gln; replaces glutamic acid 530 with glutamine.
Molecular consequence: missense variant.
Genome position (GRCh38, 1-based): chr12:57,572,598, G>C. VCF-style: chr12-57572598-G-C. GRCh37 (hg19) VCF-style: chr12-57966381-G-C.
Other names: c.1321G>C, p.Glu441Gln (NM_001354705.2); short protein forms E441Q, E530Q.
Identifiers: ClinVar variation 2764109 (VCV002764109.3), dbSNP rs2540504854, ClinGen allele CA385507569.
Genomic context (GRCh38, chr12:57,572,598, plus strand): 5'-CAGGAGGATGGCAACAGGAATGACCTGAGGGGCTGTCCCCAGGCCACCATGCTGTCCCTG[G>C]AGTCTGAGTTGCAGCGGCTACAGGAGGTCAGTGGACACCAGCGAAAACGAATTGCTGAGG-3'
Protein context (NP_004975.2, residues 520-540): SQKVATMLSL[Glu530Gln]SELQRLQEVS